The following is an entry in ClinVar:

NM_002838.5(PTPRC):c.2467G>A (p.Gly823Arg)

Gene: PTPRC (protein tyrosine phosphatase receptor type C; plus strand). Cytogenetic location: 1q32.1.
Variant type: single nucleotide variant.
Coding change: c.2467G>A on transcript NM_002838.5 (MANE Select); coding-DNA position 2467, G replaced by A.
Protein change: p.Gly823Arg; replaces glycine 823 with arginine.
Molecular consequence: missense variant.
Genome position (GRCh38, 1-based): chr1:198,741,932, G>A. VCF-style: chr1-198741932-G-A. GRCh37 (hg19) VCF-style: chr1-198711061-G-A.
Other names: c.1984G>A, p.Gly662Arg (NM_080921.4); c.2461G>A (NM_002838.3); short protein forms G662R, G823R.
Identifiers: ClinVar variation 853381 (VCV000853381.9), dbSNP rs148122103, ClinGen allele CA1315125.

ClinVar aggregate classification (germline): Uncertain significance. Review status: criteria provided, multiple submitters, no conflicts (2 of 4 stars). 3 submissions from 3 submitters: Uncertain significance (3). Last evaluated 2025-09-10.

Conditions:
Inborn genetic diseases. Identifiers: MedGen C0950123, MeSH D030342.
Immunodeficiency 104. Also called: Severe combined immunodeficiency, autosomal recessive, T cell-negative, B cell-positive, NK cell-positive; SCID, AUTOSOMAL RECESSIVE, T CELL-NEGATIVE, B CELL-POSITIVE, NK CELL-POSITIVE; Severe Combined Immune Deficiency, Autosomal Recessive, TCell -Negative, B Cell-Positive, NK Cell-Positive, IL7R-Related; IMMUNODEFICIENCY 104, SEVERE COMBINED. Identifiers: MedGen C5676890, MONDO:0012163, OMIM 608971.

Allele frequency attached by ClinVar (database versions not stated): TOPMed 0.00007; ESP Exome Variant Server 0.00008.
gnomAD v4.1: 23 of 1,611,990 alleles (0.0014%); highest among the groups gnomAD compares: Admixed American, 0.01%; no homozygotes.

Submissions (3):

Ambry Genetics
Classification: Uncertain significance for Inborn genetic diseases. Last evaluated: 2025-09-10. Review status: criteria provided, single submitter. Criteria: Ambry Variant Classification Scheme 2023. Collection method: clinical testing. Allele origin: germline.

Blueprint Genetics
Classification: Uncertain significance. Last evaluated: 2024-11-04. Review status: criteria provided, single submitter. Criteria: ACMG Guidelines, 2015. Collection method: clinical testing. Allele origin: germline.

Labcorp Genetics (formerly Invitae), Labcorp
Classification: Uncertain significance for Immunodeficiency 104. Last evaluated: 2024-08-05. Review status: criteria provided, single submitter. Criteria: Invitae Variant Classification Sherloc (09022015). Collection method: clinical testing. Allele origin: germline.
Comment: This sequence change replaces glycine, which is neutral and non-polar, with arginine, which is basic and polar, at codon 823 of the PTPRC protein (p.Gly823Arg). This variant is present in population databases (rs148122103, gnomAD 0.004%). This variant has not been reported in the literature in individuals affected with PTPRC-related conditions. ClinVar contains an entry for this variant (Variation ID: 853381). An algorithm developed to predict the effect of missense changes on protein structure and function (PolyPhen-2) suggests that this variant is likely to be disruptive. In summary, the available evidence is currently insufficient to determine the role of this variant in disease. Therefore, it has been classified as a Variant of Uncertain Significance.